The following is an entry in ClinVar:

NM_001347721.2(DYRK1A):c.871C>T (p.Arg291Cys)

Gene: DYRK1A (dual specificity tyrosine phosphorylation regulated kinase 1A; plus strand). Cytogenetic location: 21q22.13.
Variant type: single nucleotide variant.
Coding change: c.871C>T on transcript NM_001347721.2 (MANE Select); coding-DNA position 871, C replaced by T.
Protein change: p.Arg291Cys; replaces arginine 291 with cysteine.
Molecular consequence: missense variant.
Genome position (GRCh38, 1-based): chr21:37,490,408, C>T. VCF-style: chr21-37490408-C-T. GRCh37 (hg19) VCF-style: chr21-38862710-C-T.
Other names: c.871C>T, p.Arg291Cys (NM_001347722.2, NM_130436.2); c.784C>T, p.Arg262Cys (NM_001347723.2); c.898C>T, p.Arg300Cys (NM_001396.5, NM_101395.2, NM_130438.2); short protein forms R262C, R291C, R300C.
Identifiers: ClinVar variation 2500337 (VCV002500337.1), dbSNP rs2053046337, ClinGen allele CA409947808.

ClinVar aggregate classification (germline): Uncertain significance (1 of 4 stars; one submission).

Conditions:
DYRK1A-related intellectual disability syndrome (MRD7). Also called: DYRK1A Syndrome; Intellectual developmental disorder, autosomal dominant 7. Identifiers: Orphanet 464306, MedGen C5568143, MONDO:0013578, OMIM 614104.

Allele frequency attached by ClinVar (database versions not stated): gnomAD exomes below 0.00001; TOPMed 0.00001.

Submission:

Institute of Human Genetics, University of Leipzig Medical Center
Classification: Uncertain significance for DYRK1A-related intellectual disability syndrome. Last evaluated: 2023-02-28. Review status: criteria provided, single submitter. Criteria: ACMG Guidelines, 2015. Collection method: clinical testing. Allele origin: unknown. Affected: yes.
Comment: _x000D_ Criteria applied: PM1, PM2_SUP